The following is an entry in ClinVar:

ClinVar aggregate classification (germline): Uncertain significance (1 of 4 stars; one submission).

Submission:

Labcorp Genetics (formerly Invitae), Labcorp
Classification: Uncertain significance. Last evaluated: 2024-08-06. Review status: criteria provided, single submitter. Criteria: Invitae Variant Classification Sherloc (09022015). Collection method: clinical testing. Allele origin: germline.
Comment: This sequence change replaces aspartic acid, which is acidic and polar, with glycine, which is neutral and non-polar, at codon 1167 of the GRIN2D protein (p.Asp1167Gly). This variant is not present in population databases (gnomAD no frequency). This variant has not been reported in the literature in individuals affected with GRIN2D-related conditions. Advanced modeling of protein sequence and biophysical properties (such as structural, functional, and spatial information, amino acid conservation, physicochemical variation, residue mobility, and thermodynamic stability) performed at Invitae indicates that this missense variant is not expected to disrupt GRIN2D protein function with a negative predictive value of 95%. In summary, the available evidence is currently insufficient to determine the role of this variant in disease. Therefore, it has been classified as a Variant of Uncertain Significance.

NM_000836.4(GRIN2D):c.3500A>G (p.Asp1167Gly)

Gene: GRIN2D (glutamate ionotropic receptor NMDA type subunit 2D; plus strand). Cytogenetic location: 19q13.33.
Variant type: single nucleotide variant.
Coding change: c.3500A>G on transcript NM_000836.4 (MANE Select); coding-DNA position 3500, A replaced by G.
Protein change: p.Asp1167Gly; replaces aspartic acid 1167 with glycine.
Molecular consequence: missense variant.
Genome position (GRCh38, 1-based): chr19:48,443,426, A>G. VCF-style: chr19-48443426-A-G. GRCh37 (hg19) VCF-style: chr19-48946683-A-G.
Other names: short protein forms D1167G.
Identifiers: ClinVar variation 2699790 (VCV002699790.3), dbSNP rs2513693396, ClinGen allele CA406676544.
Genomic context (GRCh38, chr19:48,443,426, plus strand): 5'-CGCCGCCCGGCCGCTACTGGTCGGTCGACAAGCTCGGGGGCTGGCGCGCCGGGAGCTGGG[A>G]CTACCTGCCCCCGCGCAGCGGTCCGGCCGCCTGGCACTGTCGGCACTGCGCCAGCCTGGA-3'
Protein context (NP_000827.2, residues 1157-1177): KLGGWRAGSW[Asp1167Gly]YLPPRSGPAA